The following is an entry in ClinVar:

ClinVar aggregate classification (germline): Likely pathogenic (1 of 4 stars; one submission).

Conditions:
Intellectual developmental disorder with autism and speech delay. Also called: Autism, susceptibility to, 5; Autism 5; AUTISM-RELATED SPEECH DELAY; PHRASE SPEECH DELAY, AUTISM-RELATED; AUTS5. Identifiers: MedGen C1853755, MONDO:0011627, OMIM 606053.

Submission:

Institute of Human Genetics, University of Leipzig Medical Center
Classification: Likely pathogenic for Intellectual developmental disorder with autism and speech delay. Last evaluated: 2026-03-24. Review status: criteria provided, single submitter. Criteria: ACMG Guidelines, 2015. Collection method: clinical testing. Allele origin: de novo. Inheritance: Autosomal dominant inheritance. Affected: yes.
Comment: Criteria applied: PS2_MOD, PM1, PM2_SUP, PP3

NM_006593.4(TBR1):c.1162G>C (p.Ala388Pro)

Gene: TBR1 (T-box brain transcription factor 1; plus strand). Cytogenetic location: 2q24.2.
Variant type: single nucleotide variant.
Coding change: c.1162G>C on transcript NM_006593.4 (MANE Select); coding-DNA position 1162, G replaced by C.
Protein change: p.Ala388Pro; replaces alanine 388 with proline.
Molecular consequence: missense variant.
Genome position (GRCh38, 1-based): chr2:161,420,229, G>C. VCF-style: chr2-161420229-G-C. GRCh37 (hg19) VCF-style: chr2-162276740-G-C.
Other names: short protein forms A388P.
Identifiers: ClinVar variation 1342892 (VCV001342892.5), dbSNP rs2105280469, ClinGen allele CA349213107.